The following is an entry in ClinVar:

ClinVar aggregate classification (germline): Uncertain significance (1 of 4 stars; one submission).

Conditions:
Myopathy, tubular aggregate, 2 (TAM2). Identifiers: MedGen C4014557, MONDO:0014383, OMIM 615883.
Combined immunodeficiency due to ORAI1 deficiency. Also called: IMMUNODEFICIENCY 9. Identifiers: Orphanet 169090, Orphanet 317428, MedGen C2748568, MONDO:0013007, OMIM 612782.

Allele frequency attached by ClinVar (database versions not stated): TOPMed 0.00002; gnomAD 0.00027 and 0.00028.

Submission:

Labcorp Genetics (formerly Invitae), Labcorp
Classification: Uncertain significance for Myopathy, tubular aggregate, 2; Combined immunodeficiency due to ORAI1 deficiency. Last evaluated: 2024-10-29. Review status: criteria provided, single submitter. Criteria: Invitae Variant Classification Sherloc (09022015). Collection method: clinical testing. Allele origin: germline.
Comment: This sequence change replaces glutamic acid, which is acidic and polar, with aspartic acid, which is acidic and polar, at codon 38 of the ORAI1 protein (p.Glu38Asp). This variant is not present in population databases (gnomAD no frequency). This variant has not been reported in the literature in individuals affected with ORAI1-related conditions. ClinVar contains an entry for this variant (Variation ID: 963552). Experimental studies and prediction algorithms are not available or were not evaluated, and the functional significance of this variant is currently unknown. In summary, the available evidence is currently insufficient to determine the role of this variant in disease. Therefore, it has been classified as a Variant of Uncertain Significance.

NC_000012.12:g.121626856G>C

Genes: ORAI1 (ORAI calcium release-activated calcium modulator 1; plus strand), LOC130008987 (ATAC-STARR-seq lymphoblastoid silent region 4981; plus strand). Cytogenetic location: 12q24.31.
Variant type: single nucleotide variant.
Genome position: GRCh38 VCF-style: chr12-121626856-G-C. GRCh37 (hg19) VCF-style: chr12-122064761-G-C.
Other names: c.114G>C, p.Glu38Asp (NM_032790.4); short protein forms E38D.
Identifiers: ClinVar variation 963552 (VCV000963552.6), dbSNP rs1226204743, ClinGen allele CA386980581.
Genomic context (GRCh38, chr12:121,626,856, plus strand): 5'-AAGCGGCGGCAGCACCACCAGCGGCAGCCGCCGGAGCCGCCGCCGCAGCGGGGACGGGGA[G>C]CCCCCGGGGGCCCCGCCCCGCCACCGCCGCCGTCCGCCGTCACCTACCCGGACTGGATCG-3'